The following is an entry in ClinVar:

NM_000143.4(FH):c.591T>A (p.Ile197=)

Gene: FH (fumarate hydratase; minus strand). Cytogenetic location: 1q43.
Variant type: single nucleotide variant.
Coding change: c.591T>A on transcript NM_000143.4 (MANE Select); coding-DNA position 591, T replaced by A.
Protein change: p.Ile197=; no amino-acid change (isoleucine 197 retained).
Molecular consequence: synonymous variant.
Genome position (GRCh38, 1-based): chr1:241,508,750, A>T on the plus strand (T>A on the coding strand, the complement: FH is on the minus strand). VCF-style: chr1-241508750-A-T. GRCh37 (hg19) VCF-style: chr1-241672050-A-T.
Identifiers: ClinVar variation 3773176 (VCV003773176.1).

ClinVar aggregate classification (germline): Benign (1 of 4 stars; one submission).

Conditions:
Hereditary leiomyomatosis and renal cell cancer. Also called: MULTIPLE CUTANEOUS AND UTERINE LEIOMYOMATA 1, WITH OR WITHOUT RENAL CELL CARCINOMA; LEIOMYOMA, MULTIPLE CUTANEOUS; FH tumor predisposition syndrome; Reed syndrome; Multiple cutaneous and uterine leiomyomatosis; Cutaneous leiomyomata with uterine leiomyomata. Identifiers: Orphanet 523, MedGen C1708350, MONDO:0007888, OMIM 150800, HP:0007437. Disease mechanism: loss of function.

Submission:

Myriad Genetics, Inc.
Classification: Benign for Hereditary leiomyomatosis and renal cell cancer. Last evaluated: 2024-10-18. Review status: criteria provided, single submitter. Criteria: Myriad Autosomal Dominant, Autosomal Recessive and X-Linked Classification Criteria (2023). Collection method: clinical testing. Allele origin: unknown.
Comment: This variant is considered benign. This variant is a silent/synonymous amino acid change and it is not expected to impact splicing.